The following is an entry in ClinVar:

ClinVar aggregate classification (germline): Conflicting classifications of pathogenicity. Review status: criteria provided, conflicting classifications (1 of 4 stars). 22 submissions from 22 submitters: Uncertain significance (5); Benign (6); Likely benign (7). 4 of the submissions do not count toward it. Last evaluated 2026-03-31.

Conditions:
MSH6-related disorder. Also called: MSH6-related condition; MSH6-Related disorders.
Hereditary nonpolyposis colorectal neoplasms. Identifiers: MedGen C0009405, MeSH D003123.
Hereditary cancer-predisposing syndrome. Also called: Hereditary Cancer Syndrome; Tumor predisposition; Neoplastic Syndromes, Hereditary; Hereditary neoplastic syndrome. Identifiers: Orphanet 140162, MedGen C0027672, MeSH D009386, MONDO:0015356.
Breast and/or ovarian cancer. Identifiers: MedGen CN221562.
Carcinoma of colon (CRC). Also called: Colonic carcinoma; Colon carcinoma. Identifiers: MedGen C0699790, MONDO:0002032.
Lynch syndrome 5 (LYNCH5). Also called: Hereditary non-polyposis colorectal cancer, type 5; Colorectal cancer, hereditary nonpolyposis, type 5. Identifiers: Orphanet 144, MedGen C1833477, MONDO:0013710, OMIM 614350. Disease mechanism: loss of function.

Allele frequency attached by ClinVar (database versions not stated): ExAC 0.00017; gnomAD 0.00026 and 0.00030; gnomAD exomes 0.00028 and 0.00037; 1000 Genomes Project 0.00080.
gnomAD v4.1: 553 of 1,542,738 alleles (0.036%); highest among the groups gnomAD compares: East Asian, 0.56%; 2 homozygotes.

Submissions 1 to 17 of 22:

Dasa
Classification: Benign. Last evaluated: 2026-03-31. Review status: criteria provided, single submitter. Criteria: DASA Assertion Criteria. Collection method: clinical testing. Allele origin: germline.
Comment: NM_000179.3(MSH6):c.4002-10T>A is interpreted as benign based on a combination of available evidence, including population frequency. Based on the available data, this variant is classified as benign.

Labcorp Genetics (formerly Invitae), Labcorp
Classification: Benign for Hereditary nonpolyposis colorectal neoplasms. Last evaluated: 2026-02-04. Review status: criteria provided, single submitter. Criteria: Invitae Variant Classification Sherloc (09022015). Collection method: clinical testing. Allele origin: germline.

Center for Genomic Medicine, Rigshospitalet, Copenhagen University Hospital
Classification: Benign. Last evaluated: 2025-12-29. Review status: criteria provided, single submitter. Criteria: ACMG Guidelines, 2015. Collection method: clinical testing. Allele origin: germline.
Comment: Classification criteria: BA1

Institute for Biomarker Research, Medical Diagnostic Laboratories, L.L.C.
Classification: Benign for Hereditary cancer-predisposing syndrome. Last evaluated: 2025-12-01. Review status: criteria provided, single submitter. Criteria: ACMG Guidelines, 2015. Collection method: clinical testing. Allele origin: germline.
Comment: The intron variant NM_000179.3(MSH6):c.4002-10T>A has not been reported previously as a pathogenic variant, to our knowledge (Accession: VCV000089507.81). The variant is observed in one or more well-documented healthy adults. The c.4002-10T>A variant is observed in 14/9,218 (0.1519%) alleles from individuals of gnomAD Ashkenazi Jewish background in gnomAD. The c.4002-10T>A variant is observed in 4/5,008 (0.0799%) alleles from individuals of 1kG All background in 1kG, which is greater than expected for the disorder. The c.4002-10T>A variant is not predicted to disrupt an existing splice site. The c.4002-10T>A variant results in a substitution of a base that is not predicted conserved by GERP++ and PhyloP. For these reasons, this variant has been classified as Benign.

Blueprint Genetics
Classification: Likely benign. Last evaluated: 2024-11-08. Review status: criteria provided, single submitter. Criteria: ACMG Guidelines, 2015. Collection method: clinical testing. Allele origin: germline.

Molecular Diagnostics Laboratory, Catalan Institute of Oncology
Classification: Likely benign for Hereditary cancer-predisposing syndrome. Last evaluated: 2024-10-09. Review status: criteria provided, single submitter. Criteria: MMR VCEP Paper Draft V3.1. Collection method: clinical testing. Allele origin: germline.
Comment: BS1, BP5 MSH6 c.4002-10T>A is an intronic variant located close to a canonical splice site. This variant is found in 7/16524 with a filter allele frequency of 0.022 at 95% confidence in the gnomAD v2.1.1 database (East Asian non-cancer data set)(BS1). Computational tools on splicing for this variant are inconclusive (MAPP+PolyPhen-2 prior probability for pathogenicity: 0.34). It has been reported in at least 2 colorectal cancer samples with maintained MSH6 expression (PMID:23523604 and internal data)(BP5). In addition, this variant has been reported in ClinVar (3x benign, 9x likely benign, 6x uncertain significance), (4x likely benign, 4x uncertain significance) and in the InSiGHT (as Class3: uncertain: ‘insuficient evidence’) databases. Based on currently available information, the variant c.4002-10T>A is classified as a likely benign variant according to ACMG guidelines.

Mendelics
Classification: Benign for Lynch syndrome 5. Last evaluated: 2023-08-22. Review status: criteria provided, single submitter. Criteria: Mendelics Assertion Criteria 2019. Collection method: clinical testing. Allele origin: germline.

CHEO Genetics Diagnostic Laboratory, Children's Hospital of Eastern Ontario
Classification: Likely benign for Breast and/or ovarian cancer. Last evaluated: 2022-03-23. Review status: criteria provided, single submitter. Criteria: ACMG Guidelines, 2015. Collection method: clinical testing. Allele origin: germline.

Centre of Medical Genetics, University Hospital Muenster
Classification: Uncertain significance. Last evaluated: 2021-05-21. Review status: criteria provided, single submitter. Criteria: ACMG Guidelines, 2015. Collection method: clinical testing. Allele origin: unknown. Affected: yes. Observed: 1 variant allele, 1 heterozygote.
Comment: ACMG categories: PM2,PP3

Quest Diagnostics Nichols Institute San Juan Capistrano
Classification: Likely benign. Last evaluated: 2019-10-11. Review status: criteria provided, single submitter. Criteria: Quest Diagnostics criteria. Collection method: clinical testing. Allele origin: unknown.

Women's Health and Genetics/Laboratory Corporation of America, LabCorp
Classification: Benign. Last evaluated: 2019-05-30. Review status: criteria provided, single submitter. Criteria: LabCorp Variant Classification Summary - May 2015. Collection method: clinical testing. Allele origin: germline.
Comment: Variant summary: MSH6 c.4002-10T>A alters a non-conserved nucleotide. 4/5 computational tools predict no significant impact on normal splicing. However, these predictions have yet to be confirmed by functional studies. The variant allele was found at a frequency of 0.00026 in 244976 control chromosomes (gnomAD). The observed variant frequency is approximately 1.8 fold of the estimated maximal expected allele frequency for a pathogenic variant in MSH6 causing Lynch Syndrome phenotype (0.00014), strongly suggesting that the variant is benign. The variant, c.4002-10T>A, has been reported in the literature in colorectal, gastric or breast cancer patients without strong evidence for causality (Limburg_2011, Yamashita_2013, Bonache_2018). A co-occurrence with another pathogenic variant has been reported (MSH6 c.3477C>G, p.Tyr1159X; internal testing), providing supporting evidence for a benign role. To our knowledge, no experimental evidence demonstrating an impact on protein function has been reported. Seven submitters have submitted clinical-significance assessments for this variant to ClinVar after 2014 (VUS (n=5), Likely benign (n=1), Benign (n=1)) and one expert panel, InSiGHT, classified as uncertain significance before 2014. Based on the evidence outlined above, the variant was classified as benign.

Illumina Laboratory Services, Illumina
Classification: Uncertain significance for Lynch syndrome 5. Last evaluated: 2019-04-18. Review status: criteria provided, single submitter. Criteria: ICSL Variant Classification Criteria 13 December 2019. Collection method: clinical testing. Allele origin: germline.
Comment: This variant was observed as part of a predisposition screen in an ostensibly healthy population. A literature search was performed for the gene, cDNA change, and amino acid change (where applicable). Publications were found based on this search. However, the evidence from the literature, in combination with allele frequency data from public databases where available, was not sufficient to rule this variant in or out of causing disease. Therefore, this variant is classified as a variant of unknown significance.

GeneDx
Classification: Likely benign. Last evaluated: 2019-04-01. Review status: criteria provided, single submitter. Criteria: GeneDx Variant Classification Process June 2021. Collection method: clinical testing. Allele origin: germline. Affected: yes.
Comment: This variant is associated with the following publications: (PMID: 30306255, 25561518, 26181448, 21056691)

CeGaT Center for Human Genetics Tuebingen
Classification: Uncertain significance. Last evaluated: 2017-12-01. Review status: criteria provided, single submitter. Criteria: CeGaT Center For Human Genetics Tuebingen Variant Classification Criteria Version 2. Collection method: clinical testing. Allele origin: germline. Affected: yes. Observed: 1 variant allele.

Genetic Services Laboratory, University of Chicago
Classification: Uncertain significance. Last evaluated: 2017-02-21. Review status: criteria provided, single submitter. Criteria: ACMG Guidelines, 2015. Collection method: clinical testing. Allele origin: germline. Affected: no.

Laboratory for Molecular Medicine, Mass General Brigham Personalized Medicine
Classification: Uncertain significance. Last evaluated: 2016-06-16. Review status: criteria provided, single submitter. Criteria: LMM Criteria. Collection method: clinical testing. Allele origin: germline.
Comment: Variant identified in a genome or exome case(s) and assessed due to predicted null impact of the variant or pathogenic assertions in the literature or databases. Disclaimer: This variant has not undergone full assessment. The following are preliminary notes: 1 paper in HGMD describes as VUS; ClinVar: 1LB; Unlikely to impact splicing

Ambry Genetics
Classification: Likely benign for Hereditary cancer-predisposing syndrome. Last evaluated: 2016-04-27. Review status: criteria provided, single submitter. Criteria: Ambry Variant Classification Scheme 2023. Collection method: clinical testing. Allele origin: germline.

NM_000179.3(MSH6):c.4002-10T>A

Gene: MSH6 (mutS homolog 6; plus strand). Cytogenetic location: 2p16.3.
Variant type: single nucleotide variant.
Coding change: c.4002-10T>A on transcript NM_000179.3 (MANE Select); 10 bases into the intron before coding-DNA position 4002, T replaced by A.
Molecular consequence: intron variant.
Genome position (GRCh38, 1-based): chr2:47,806,769, T>A. VCF-style: chr2-47806769-T-A. GRCh37 (hg19) VCF-style: chr2-48033908-T-A.
Other names: c.3096-10T>A (NM_001281493.2, NM_001281494.2); c.3612-10T>A (NM_001281492.2).
Identifiers: ClinVar variation 89507 (VCV000089507.92), dbSNP rs545466048, ClinGen allele CA015230.
Genomic context (GRCh38, chr2:47,806,769, plus strand): 5'-GTAAAAGGGGAAGGGATGATGCACTATGAAAAAACAAAAAAACTTTTTTTTTTTTTTTTT[T>A]AATTTTAAGGGAAGTTTGCCTGGCTAGTGAAAGGTCAACTGTAGATGCTGAAGCTGTCCA-3'